The following is an entry in ClinVar:

NR_027350.2(MIR17HG):n.325A>C

Gene: MIR17HG (miR-17-92a-1 cluster host gene; plus strand). Cytogenetic location: 13q31.3.
Variant type: single nucleotide variant.
Genome position: GRCh38 VCF-style: chr13-91349749-A-C. GRCh37 (hg19) VCF-style: chr13-92002003-A-C.
Identifiers: ClinVar variation 2634163 (VCV002634163.1), dbSNP rs994382198, ClinGen allele CA254717442.

ClinVar aggregate classification (germline): Uncertain significance (1 of 4 stars; one submission).

Conditions:
MIR17HG-related disorder. Also called: MIR17HG-related condition.

Allele frequency attached by ClinVar (database versions not stated): TOPMed 0.00001.

Submission:

PreventionGenetics, part of Exact Sciences
Classification: Uncertain significance for MIR17HG-related condition. Last evaluated: 2022-10-14. Review status: criteria provided, single submitter. Criteria: ACMG Guidelines, 2015. Collection method: clinical testing. Allele origin: germline.
Comment: The MIR17HG n.192A>C is a noncoding alteration. To our knowledge, this variant has not been reported in the literature or in a large population database, indicating this variant is rare. At this time, the clinical significance of this variant is uncertain due to the absence of conclusive functional and genetic evidence.